The following is an entry in ClinVar:

NM_006235.3(POU2AF1):c.478G>A (p.Ala160Thr)

Gene: POU2AF1 (POU class 2 homeobox associating factor 1; minus strand). Cytogenetic location: 11q23.1.
Variant type: single nucleotide variant.
Coding change: c.478G>A on transcript NM_006235.3 (MANE Select); coding-DNA position 478, G replaced by A.
Protein change: p.Ala160Thr; replaces alanine 160 with threonine.
Molecular consequence: missense variant.
Genome position (GRCh38, 1-based): chr11:111,354,554, C>T on the plus strand (G>A on the coding strand, the complement: POU2AF1 is on the minus strand). VCF-style: chr11-111354554-C-T. GRCh37 (hg19) VCF-style: chr11-111225279-C-T.
Other names: short protein forms A160T.
Identifiers: ClinVar variation 4847874 (VCV004847874.1).
Genomic context (GRCh38, chr11:111,354,554, plus strand): 5'-GCCACGGGAAATAGGTGAGGGGTGCCTGGTGCTCTGGGCCCTCCAGCGGGGGCCCCACTG[C>T]GGGCGTGGCGGAGCTTCTTGTCTGTGACAGGAAAACACGTGACAGAGGGTTAGCAGCCCC-3'
Protein context (NP_006226.2, residues 150-170): NVTTRSSATP[Ala160Thr]VGPPLEGPEH

ClinVar aggregate classification (germline): Uncertain significance (1 of 4 stars; one submission).

gnomAD v4.1: 89 of 1,533,130 alleles (0.0058%); highest among the groups gnomAD compares: East Asian, 0.15%; 1 homozygote.

Submission:

Women's Health and Genetics/Laboratory Corporation of America, LabCorp
Classification: Uncertain significance. Last evaluated: 2026-02-12. Review status: criteria provided, single submitter. Criteria: LabCorp Variant Classification Summary - May 2015. Collection method: clinical testing. Allele origin: germline.
Comment: Variant summary: POU2AF1 c.478G>A (p.Ala160Thr) results in a non-conservative amino acid change in the encoded protein sequence. Algorithms developed to predict the effect of missense changes on protein structure and function are either unavailable or do not agree on the potential impact of this missense change. The variant allele was found at a frequency of 8e-05 in 174156 control chromosomes. This frequency is not significantly higher than estimated for disease-causing variants in POU2AF1, allowing no conclusion about variant significance. To our knowledge, no occurrence of c.478G>A in individuals affected with POU2AF1-related conditions and no experimental evidence demonstrating its impact on protein function have been reported. No submitters have cited clinical-significance assessments for this variant to ClinVar. Based on the evidence outlined above, the variant was classified as uncertain significance.